The following is an entry in ClinVar:

NM_174936.4(PCSK9):c.307G>C (p.Ala103Pro)

Gene: PCSK9 (proprotein convertase subtilisin/kexin type 9; plus strand). Cytogenetic location: 1p32.3.
Variant type: single nucleotide variant.
Coding change: c.307G>C on transcript NM_174936.4 (MANE Select); coding-DNA position 307, G replaced by C.
Protein change: p.Ala103Pro; replaces alanine 103 with proline.
Molecular consequence: missense variant. On other transcripts: 5 prime UTR variant (1), non-coding transcript variant (6), intron variant (1).
Genome position (GRCh38, 1-based): chr1:55,043,942, G>C. VCF-style: chr1-55043942-G-C. GRCh37 (hg19) VCF-style: chr1-55509615-G-C.
Other names: c.430G>C, p.Ala144Pro (NM_001407240.1); c.307G>C, p.Ala103Pro (NM_001407241.1, NM_001407242.1, NM_001407243.1 and 2 more transcripts); c.-69G>C (NM_001407246.1); c.208-2581G>C (NM_001407245.1); short protein forms A103P, A144P.
Identifiers: ClinVar variation 4861687 (VCV004861687.1).

ClinVar aggregate classification (germline): Uncertain significance (1 of 4 stars; one submission).

Conditions:
Cardiovascular phenotype. Identifiers: MedGen CN230736.

Submission:

Ambry Genetics
Classification: Uncertain significance for Cardiovascular phenotype. Last evaluated: 2026-04-27. Review status: criteria provided, single submitter. Criteria: Ambry Variant Classification Scheme 2023. Collection method: clinical testing. Allele origin: germline.
Comment: The p.A103P variant (also known as c.307G>C), located in coding exon 2 of the PCSK9 gene, results from a G to C substitution at nucleotide position 307. The alanine at codon 103 is replaced by proline, an amino acid with highly similar properties. This amino acid position is conserved. In addition, the in silico prediction for this alteration is inconclusive. Based on the available evidence, the clinical significance of this variant remains unclear.